The following is an entry in ClinVar:

ClinVar aggregate classification (germline): Conflicting classifications of pathogenicity. Review status: criteria provided, conflicting classifications (1 of 4 stars). 2 submissions from 2 submitters: Pathogenic (1); Uncertain significance (1). Last evaluated 2025-02-28.

Conditions:
Au-Kline syndrome. Also called: Neurodevelopmental disorder-craniofacial dysmorphism-cardiac defect-hip dysplasia syndrome due to a point mutation; Okamoto syndrome. Identifiers: Orphanet 2729, Orphanet 453499, Orphanet 453504, MedGen C4225274, MONDO:0014700, OMIM 616580.

Submissions (2):

3billion
Classification: Uncertain significance for Au-Kline syndrome. Last evaluated: 2025-02-28. Review status: criteria provided, single submitter. Criteria: ACMG Guidelines, 2015. Collection method: clinical testing. Allele origin: germline. Affected: yes.
Comment: The variant is not observed in the gnomAD v4.1.0 dataset. Predicted Consequence/Location: Missense variant Damaging effect on gene or gene product predicted by in silico programs is uncertain [REVEL: 0.42 (damaging >=0.6, benign <0.4), 3Cnet: 0.41 (damaging >=0.6, benign <0.15)]. The same nucleotide change resulting in the same amino acid change has been previously reported to be associated with HNRNPK-related disorder (ClinVar ID: VCV002663562). The variant has been observed in at least two similarly affected unrelated individuals (PMID: 36130591). However, the evidence of pathogenicity is insufficient at this time. Therefore, this variant is classified as VUS according to the recommendation of ACMG/AMP guideline.

GeneDx
Classification: Pathogenic. Last evaluated: 2023-05-09. Review status: criteria provided, single submitter. Criteria: GeneDx Variant Classification Process June 2021. Collection method: clinical testing. Allele origin: germline. Affected: yes.
Comment: Not observed at significant frequency in large population cohorts (gnomAD); In silico analysis supports that this missense variant has a deleterious effect on protein structure/function; This variant is associated with the following publications: (PMID: 36130591, 31130284)

Literature cited by the submitters: PubMed 36130591 (cited by 3billion).

NM_031263.4(HNRNPK):c.137G>T (p.Arg46Leu)

Gene: HNRNPK (heterogeneous nuclear ribonucleoprotein K; minus strand). Cytogenetic location: 9q21.32.
Variant type: single nucleotide variant.
Coding change: c.137G>T on transcript NM_031263.4 (MANE Select); coding-DNA position 137, G replaced by T.
Protein change: p.Arg46Leu; replaces arginine 46 with leucine.
Molecular consequence: missense variant.
Genome position (GRCh38, 1-based): chr9:83,977,708, C>A on the plus strand (G>T on the coding strand, the complement: HNRNPK is on the minus strand). VCF-style: chr9-83977708-C-A. GRCh37 (hg19) VCF-style: chr9-86592623-C-A.
Other names: c.137G>T, p.Arg46Leu (NM_001318186.2, NM_001318187.2, NM_001318188.2 and 2 more transcripts); short protein forms R46L.
Identifiers: ClinVar variation 2663562 (VCV002663562.2), dbSNP rs1957135138, ClinGen allele CA373931879.